The following is an entry in ClinVar:

NM_007294.4(BRCA1):c.3818A>G (p.Gln1273Arg)

Genes: BRCA1 (BRCA1 DNA repair associated; minus strand), LOC126862571 (BRD4-independent group 4 enhancer GRCh37_chr17:41243136-41244335; plus strand). Cytogenetic location: 17q21.31.
Variant type: single nucleotide variant.
Coding change: c.3818A>G on transcript NM_007294.4 (MANE Select); coding-DNA position 3818, A replaced by G.
Protein change: p.Gln1273Arg; replaces glutamine 1273 with arginine.
Molecular consequence: missense variant. On other transcripts: intron variant (135).
Genome position (GRCh38, 1-based): chr17:43,091,713, T>C on the plus strand (A>G on the coding strand, the complement: BRCA1 is on the minus strand). VCF-style: chr17-43091713-T-C. GRCh37 (hg19) VCF-style: chr17-41243730-T-C.
Other names: p.Q1273R:CAG>CGG; c.3818A>G, p.Gln1273Arg (NM_001407619.1, NM_001407620.1, NM_001407621.1 and 30 more transcripts); c.3815A>G, p.Gln1272Arg (NM_001407627.1, NM_001407628.1, NM_001407629.1 and 22 more transcripts); c.3809A>G, p.Gln1270Arg (NM_001407646.1, NM_001407647.1); c.3695A>G, p.Gln1232Arg (NM_001407648.1, NM_001407664.1, NM_001407665.1 and 19 more transcripts); c.3692A>G, p.Gln1231Arg (NM_001407649.1, NM_001407670.1, NM_001407671.1 and 11 more transcripts); c.3740A>G, p.Gln1247Arg (NM_001407653.1, NM_001407654.1, NM_001407655.1 and 4 more transcripts); c.3737A>G, p.Gln1246Arg (NM_001407659.1, NM_001407660.1, NM_001407661.1 and 1 more transcripts); and 42 more; short protein forms Q1273R, Q1226R, Q1105R, Q1203R, Q1247R, Q1270R, Q977R, Q1145R.
Identifiers: ClinVar variation 96917 (VCV000096917.22), dbSNP rs431825400, ClinGen allele CA002460.
Genomic context (GRCh38, chr17:43,091,713, plus strand): 5'-GCAGAACATTTTGTTTCCTCACTAAGGTGATGTTCCTGAGATGCCTTTGCCAATATTACC[T>C]GGTTACTGCAGTCATTTAAGCTATTCTTCAATGATAATAAATTCTCCTCTGTGTTCTTAG-3'
Protein context (NP_009225.1, residues 1263-1283): LKNSLNDCSN[Gln1273Arg]VILAKASQEH

ClinVar aggregate classification (germline): Likely benign. Review status: criteria provided, multiple submitters, no conflicts (2 of 4 stars). 6 submissions from 6 submitters: Likely benign (5). 1 of the submissions does not count toward it. Last evaluated 2025-10-07.

Conditions:
Hereditary cancer-predisposing syndrome. Also called: Hereditary Cancer Syndrome; Neoplastic Syndromes, Hereditary; Hereditary neoplastic syndrome; Tumor predisposition. Identifiers: Orphanet 140162, MedGen C0027672, MeSH D009386, MONDO:0015356.
Breast-ovarian cancer, familial, susceptibility to, 1 (BROVCA1). Also called: BRCA1 Hereditary Breast and Ovarian Cancer; OVARIAN CANCER, SUSCEPTIBILITY TO. Identifiers: Orphanet 145, MedGen C2676676, MONDO:0011450, OMIM 604370. Disease mechanism: loss of function.
Hereditary breast ovarian cancer syndrome. Also called: Hereditary breast and/or ovarian cancer syndrome; Hereditary breast and ovarian cancer syndrome; Hereditary breast and ovarian cancer; Hereditary breast and ovarian cancer syndrome (HBOC); Breast and ovarian cancer; BRCA1- and BRCA2-Associated Hereditary Breast and Ovarian Cancer. Identifiers: Orphanet 145, MedGen C0677776, MeSH D061325, MONDO:0003582. Disease mechanism: loss of function.

Allele frequency attached by ClinVar (database versions not stated): TOPMed below 0.00001.

Submissions (6):

Labcorp Genetics (formerly Invitae), Labcorp
Classification: Likely benign for Hereditary breast ovarian cancer syndrome. Last evaluated: 2025-10-07. Review status: criteria provided, single submitter. Criteria: Invitae Variant Classification Sherloc (09022015). Collection method: clinical testing. Allele origin: germline.

University of Washington Department of Laboratory Medicine, University of Washington
Classification: Likely benign for Hereditary cancer-predisposing syndrome. Last evaluated: 2023-03-23. Review status: criteria provided, single submitter. Criteria: Dines et al. (Genet Med. 2020). Collection method: curation. Allele origin: germline.
Comment: Missense variant in a coldspot region where missense variants are very unlikely to be pathogenic (PMID:31911673).

BRCA1 coldspot (exon 11 using historical exon numbering). Reclassification based on statistical prior probability

Color Diagnostics, LLC DBA Color Health
Classification: Likely benign for Hereditary cancer-predisposing syndrome. Last evaluated: 2018-06-27. Review status: criteria provided, single submitter. Criteria: ACMG Guidelines, 2015. Collection method: clinical testing. Allele origin: germline.

GeneDx
Classification: Likely benign. Last evaluated: 2018-01-24. Review status: criteria provided, single submitter. Criteria: GeneDx Variant Classification (06012015). Collection method: clinical testing. Allele origin: germline. Affected: yes.
Comment: This variant is considered likely benign or benign based on one or more of the following criteria: it is a conservative change, it occurs at a poorly conserved position in the protein, it is predicted to be benign by multiple in silico algorithms, and/or has population frequency not consistent with disease.

Ambry Genetics
Classification: Likely benign for Hereditary cancer-predisposing syndrome. Last evaluated: 2015-07-08. Review status: criteria provided, single submitter. Criteria: Ambry Variant Classification Scheme 2023. Collection method: clinical testing. Allele origin: germline.

Sharing Clinical Reports Project (SCRP)
Classification: Likely benign for Breast-ovarian cancer, familial 1. Last evaluated: 2012-05-01. Review status: no assertion criteria provided. Collection method: clinical testing. Allele origin: germline. Not counted in ClinVar's aggregate classification.